The following is an entry in ClinVar:

NM_001041.4(SI):c.2184G>A (p.Trp728Ter)

Gene: SI (sucrase-isomaltase; minus strand). Cytogenetic location: 3q26.1.
Variant type: single nucleotide variant.
Coding change: c.2184G>A on transcript NM_001041.4 (MANE Select); coding-DNA position 2184, G replaced by A.
Protein change: p.Trp728Ter; replaces tryptophan 728 with a stop codon.
Molecular consequence: nonsense.
Genome position (GRCh38, 1-based): chr3:165,039,947, C>T on the plus strand (G>A on the coding strand, the complement: SI is on the minus strand). VCF-style: chr3-165039947-C-T. GRCh37 (hg19) VCF-style: chr3-164757735-C-T.
Other names: short protein forms W728*.
Identifiers: ClinVar variation 3632311 (VCV003632311.2).

ClinVar aggregate classification (germline): Pathogenic (1 of 4 stars; one submission).

Submission:

Labcorp Genetics (formerly Invitae), Labcorp
Classification: Pathogenic. Last evaluated: 2024-07-23. Review status: criteria provided, single submitter. Criteria: Invitae Variant Classification Sherloc (09022015). Collection method: clinical testing. Allele origin: germline.
Comment: This sequence change creates a premature translational stop signal (p.Trp728*) in the SI gene. It is expected to result in an absent or disrupted protein product. Loss-of-function variants in SI are known to be pathogenic (PMID: 16329100, 23103650, 25452324). This variant is not present in population databases (gnomAD no frequency). This variant has not been reported in the literature in individuals affected with SI-related conditions. Algorithms developed to predict the effect of sequence changes on RNA splicing suggest that this variant may disrupt the consensus splice site. For these reasons, this variant has been classified as Pathogenic.

Literature cited by the submitters: PubMed 16329100; PubMed 23103650; PubMed 25452324.